The following is an entry in ClinVar:

ClinVar aggregate classification (germline): Uncertain significance. Review status: criteria provided, multiple submitters, no conflicts (2 of 4 stars). 2 submissions from 2 submitters: Uncertain significance (2). Last evaluated 2024-09-06.

gnomAD v4.1: 9 of 1,597,972 alleles (0.00056%); highest among the groups gnomAD compares: South Asian, 0.01%; no homozygotes.

Submissions (2):

Labcorp Genetics (formerly Invitae), Labcorp
Classification: Uncertain significance. Last evaluated: 2024-09-06. Review status: criteria provided, single submitter. Criteria: Invitae Variant Classification Sherloc (09022015). Collection method: clinical testing. Allele origin: germline.
Comment: This sequence change replaces methionine, which is neutral and non-polar, with arginine, which is basic and polar, at codon 567 of the CEP135 protein (p.Met567Arg). This variant is present in population databases (rs781247883, gnomAD 0.007%). This variant has not been reported in the literature in individuals affected with CEP135-related conditions. An algorithm developed to predict the effect of missense changes on protein structure and function (PolyPhen-2) suggests that this variant is likely to be tolerated. In summary, the available evidence is currently insufficient to determine the role of this variant in disease. Therefore, it has been classified as a Variant of Uncertain Significance.

GeneDx
Classification: Uncertain significance. Last evaluated: 2023-12-04. Review status: criteria provided, single submitter. Criteria: GeneDx Variant Classification Process June 2021. Collection method: clinical testing. Allele origin: germline. Affected: yes.
Comment: Not observed at significant frequency in large population cohorts (gnomAD); In silico analysis supports that this missense variant has a deleterious effect on protein structure/function; Has not been previously published as pathogenic or benign to our knowledge

NM_025009.5(CEP135):c.1700T>G (p.Met567Arg)

Gene: CEP135 (centrosomal protein 135; plus strand). Cytogenetic location: 4q12.
Variant type: single nucleotide variant.
Coding change: c.1700T>G on transcript NM_025009.5 (MANE Select); coding-DNA position 1700, T replaced by G.
Protein change: p.Met567Arg; replaces methionine 567 with arginine.
Molecular consequence: missense variant.
Genome position (GRCh38, 1-based): chr4:55,981,300, T>G. VCF-style: chr4-55981300-T-G. GRCh37 (hg19) VCF-style: chr4-56847466-T-G.
Other names: short protein forms M567R.
Identifiers: ClinVar variation 3364924 (VCV003364924.3).